The following is an entry in ClinVar:

ClinVar aggregate classification (germline): Uncertain significance (1 of 4 stars; one submission).

gnomAD v4.1: 1 of 1,613,488 alleles (0.000062%); highest among the groups gnomAD compares: Admixed American, 0.0017%; no homozygotes.

Submission:

Labcorp Genetics (formerly Invitae), Labcorp
Classification: Uncertain significance. Last evaluated: 2025-08-10. Review status: criteria provided, single submitter. Criteria: Invitae Variant Classification Sherloc (09022015). Collection method: clinical testing. Allele origin: germline.
Comment: This sequence change replaces alanine, which is neutral and non-polar, with threonine, which is neutral and polar, at codon 96 of the PSMA3 protein (p.Ala96Thr). This variant is present in population databases (no rsID available, gnomAD 0.003%). This variant has not been reported in the literature in individuals affected with PSMA3-related conditions. An algorithm developed to predict the effect of missense changes on protein structure and function (PolyPhen-2) suggests that this variant is likely to be disruptive. In summary, the available evidence is currently insufficient to determine the role of this variant in disease. Therefore, it has been classified as a Variant of Uncertain Significance.

NM_002788.4(PSMA3):c.286G>A (p.Ala96Thr)

Gene: PSMA3 (proteasome 20S subunit alpha 3; plus strand). Cytogenetic location: 14q23.1.
Variant type: single nucleotide variant.
Coding change: c.286G>A on transcript NM_002788.4 (MANE Select); coding-DNA position 286, G replaced by A.
Protein change: p.Ala96Thr; replaces alanine 96 with threonine.
Molecular consequence: missense variant. On other transcripts: non-coding transcript variant (1).
Genome position (GRCh38, 1-based): chr14:58,257,802, G>A. VCF-style: chr14-58257802-G-A. GRCh37 (hg19) VCF-style: chr14-58724520-G-A.
Other names: c.286G>A, p.Ala96Thr (NM_152132.3); short protein forms A96T.
Identifiers: ClinVar variation 4770829 (VCV004770829.1).